The following is an entry in ClinVar:

ClinVar aggregate classification (germline): Uncertain significance. Review status: criteria provided, multiple submitters, no conflicts (2 of 4 stars). 2 submissions from 2 submitters: Uncertain significance (2). Last evaluated 2022-11-29.

Conditions:
Congenital muscular dystrophy due to integrin alpha-7 deficiency. Also called: Congenital muscular dystrophy with integrin alpha-7 deficiency; Muscular dystrophy, congenital, due to ITGA7 deficiency; MYOPATHY, CONGENITAL, DUE TO INTEGRIN ALPHA-7 DEFICIENCY. Identifiers: Orphanet 34520, MedGen C2750786, MONDO:0013177, OMIM 613204.

Allele frequency attached by ClinVar (database versions not stated): gnomAD 0.00001; TOPMed 0.00001; ExAC 0.00003; ESP Exome Variant Server 0.00008.

Submissions (2):

Labcorp Genetics (formerly Invitae), Labcorp
Classification: Uncertain significance for Congenital muscular dystrophy due to integrin alpha-7 deficiency. Last evaluated: 2022-11-29. Review status: criteria provided, single submitter. Criteria: Invitae Variant Classification Sherloc (09022015). Collection method: clinical testing. Allele origin: germline.
Comment: This sequence change replaces arginine, which is basic and polar, with tryptophan, which is neutral and slightly polar, at codon 5 of the ITGA7 protein (p.Arg5Trp). In summary, the available evidence is currently insufficient to determine the role of this variant in disease. Therefore, it has been classified as a Variant of Uncertain Significance. Algorithms developed to predict the effect of missense changes on protein structure and function are either unavailable or do not agree on the potential impact of this missense change (SIFT: "Deleterious"; PolyPhen-2: "Possibly Damaging"; Align-GVGD: "Class C0"). This variant has not been reported in the literature in individuals affected with ITGA7-related conditions. The frequency data for this variant in the population databases is considered unreliable, as metrics indicate poor data quality at this position in the gnomAD database.

Ambry Genetics
Classification: Uncertain significance. Last evaluated: 2022-08-08. Review status: criteria provided, single submitter. Criteria: Ambry Variant Classification Scheme 2023. Collection method: clinical testing. Allele origin: germline.

NM_002206.3(ITGA7):c.13C>T (p.Arg5Trp)

Gene: ITGA7 (integrin subunit alpha 7; minus strand). Cytogenetic location: 12q13.2.
Variant type: single nucleotide variant.
Coding change: c.13C>T on transcript NM_002206.3 (MANE Select); coding-DNA position 13, C replaced by T.
Protein change: p.Arg5Trp; replaces arginine 5 with tryptophan.
Molecular consequence: missense variant. On other transcripts: 5 prime UTR variant (1), intron variant (3).
Genome position (GRCh38, 1-based): chr12:55,707,670, G>A on the plus strand (C>T on the coding strand, the complement: ITGA7 is on the minus strand). VCF-style: chr12-55707670-G-A. GRCh37 (hg19) VCF-style: chr12-56101454-G-A.
Other names: c.13C>T, p.Arg5Trp (NM_001144996.2, NM_001374465.1, NM_001410977.1 and 6 more transcripts); c.-1160C>T (NM_001367994.1); c.85+4393C>T (NM_001144997.2); c.-134+4393C>T (NM_001367993.1, NM_001414035.1); short protein forms R5W.
Identifiers: ClinVar variation 2194365 (VCV002194365.4), dbSNP rs377056561, ClinGen allele CA6616480.